The following is an entry in ClinVar:

ClinVar aggregate classification (germline): Likely benign (1 of 4 stars; one submission).

Allele frequency attached by ClinVar (database versions not stated): gnomAD exomes 0.00003; TOPMed 0.00001 and 0.00002; ExAC 0.00001; gnomAD 0.00001.
gnomAD v4.1: 93 of 1,589,594 alleles (0.0059%); highest among the groups gnomAD compares: Non-Finnish European, 0.0073%; no homozygotes.

Submission:

GeneDx
Classification: Likely benign. Last evaluated: 2015-11-20. Review status: criteria provided, single submitter. Criteria: GeneDx Variant Classification (06012015). Collection method: clinical testing. Allele origin: germline. Affected: yes.
Comment: This variant is considered likely benign or benign based on one or more of the following criteria: it is a conservative change, it occurs at a poorly conserved position in the protein, it is predicted to be benign by multiple in silico algorithms, and/or has population frequency not consistent with disease.

NM_003098.3(SNTA1):c.*14C>T

Gene: SNTA1 (syntrophin alpha 1; minus strand). Cytogenetic location: 20q11.21.
Variant type: single nucleotide variant.
Coding change: c.*14C>T on transcript NM_003098.3 (MANE Select); 14 bases downstream of the stop codon, C replaced by T.
Molecular consequence: 3 prime UTR variant.
Genome position (GRCh38, 1-based): chr20:33,408,493, G>A on the plus strand (C>T on the coding strand, the complement: SNTA1 is on the minus strand). VCF-style: chr20-33408493-G-A. GRCh37 (hg19) VCF-style: chr20-31996299-G-A.
Identifiers: ClinVar variation 381756 (VCV000381756.1), dbSNP rs761196972, ClinGen allele CA9816921.